The following is an entry in ClinVar:

ClinVar aggregate classification (germline): Conflicting classifications of pathogenicity. Review status: criteria provided, conflicting classifications (1 of 4 stars). 5 submissions from 5 submitters: Uncertain significance (3); Likely benign (2). Last evaluated 2026-07-01.

Conditions:
Inborn genetic diseases. Identifiers: MedGen C0950123, MeSH D030342.

Allele frequency attached by ClinVar (database versions not stated): 1000 Genomes Project 30x 0.00016; 1000 Genomes Project 0.00020; ESP Exome Variant Server 0.00054; gnomAD exomes 0.00055 and 0.00075; TOPMed 0.00058; gnomAD 0.00061 and 0.00062; ExAC 0.00072.
gnomAD v4.1: 1,181 of 1,610,964 alleles (0.073%); highest among the groups gnomAD compares: Non-Finnish European, 0.089%; 1 homozygote.

Submissions (5):

CeGaT Center for Human Genetics Tuebingen
Classification: Likely benign. Last evaluated: 2026-07-01. Review status: criteria provided, single submitter. Criteria: CeGaT Center For Human Genetics Tuebingen Variant Classification Criteria Version 2. Collection method: clinical testing. Allele origin: germline. Affected: yes. Observed: 2 variant alleles.
Comment: TUBGCP6: BP4

Labcorp Genetics (formerly Invitae), Labcorp
Classification: Uncertain significance. Last evaluated: 2025-01-29. Review status: criteria provided, single submitter. Criteria: Invitae Variant Classification Sherloc (09022015). Collection method: clinical testing. Allele origin: germline.
Comment: This sequence change replaces serine, which is neutral and polar, with leucine, which is neutral and non-polar, at codon 398 of the TUBGCP6 protein (p.Ser398Leu). This variant is present in population databases (rs142435821, gnomAD 0.09%), and has an allele count higher than expected for a pathogenic variant. This variant has not been reported in the literature in individuals affected with TUBGCP6-related conditions. ClinVar contains an entry for this variant (Variation ID: 437160). An algorithm developed to predict the effect of missense changes on protein structure and function (PolyPhen-2) suggests that this variant is likely to be disruptive. In summary, the available evidence is currently insufficient to determine the role of this variant in disease. Therefore, it has been classified as a Variant of Uncertain Significance.

Ambry Genetics
Classification: Likely benign for Inborn genetic diseases. Last evaluated: 2022-09-20. Review status: criteria provided, single submitter. Criteria: Ambry Variant Classification Scheme 2023. Collection method: clinical testing. Allele origin: germline.

Genetic Services Laboratory, University of Chicago
Classification: Uncertain significance. Last evaluated: 2016-06-23. Review status: criteria provided, single submitter. Criteria: ACMG Guidelines, 2015. Collection method: clinical testing. Allele origin: germline. Affected: no.

Breakthrough Genomics
Classification: Uncertain significance. Review status: criteria provided, single submitter. Criteria: ACMG Guidelines, 2015. Collection method: not provided. Allele origin: germline. Inheritance: Autosomal dominant inheritance. Affected: yes.

NM_020461.4(TUBGCP6):c.1193C>T (p.Ser398Leu)

Gene: TUBGCP6 (tubulin gamma complex component 6; minus strand). Cytogenetic location: 22q13.33.
Variant type: single nucleotide variant.
Coding change: c.1193C>T on transcript NM_020461.4 (MANE Select); coding-DNA position 1193, C replaced by T.
Protein change: p.Ser398Leu; replaces serine 398 with leucine.
Molecular consequence: missense variant.
Genome position (GRCh38, 1-based): chr22:50,229,501, G>A on the plus strand (C>T on the coding strand, the complement: TUBGCP6 is on the minus strand). VCF-style: chr22-50229501-G-A. GRCh37 (hg19) VCF-style: chr22-50667930-G-A.
Other names: short protein forms S398L.
Identifiers: ClinVar variation 437160 (VCV000437160.36), dbSNP rs142435821, ClinGen allele CA10308792.
Genomic context (GRCh38, chr22:50,229,501, plus strand): 5'-ACGGGCTGCAGAGAGAAATGACTCAGGCGCGTGTAGCAGGTCCCATACTCGGCCACTTCC[G>A]AGAGCAGGCTGCTGATGCTCTCGGGAGACGCTCCTGACACGTGGACGCCCCGCTTCACCA-3'
Protein context (NP_065194.3, residues 388-408): ASPESISSLL[Ser398Leu]EVAEYGTCYT